The following is an entry in ClinVar:

ClinVar aggregate classification (germline): Uncertain significance (1 of 4 stars; one submission).

Conditions:
Leigh syndrome (NULS). Also called: Leigh's necrotizing encephalopathy; Leigh's disease; Leigh's syndrome; LEIGH SYNDROME, NUCLEAR; Leigh Syndrome (mtDNA deletion); Leigh Disease. Identifiers: Orphanet 506, MedGen C2931891, MONDO:0009723, OMIM 256000.

Submission:

Wong Mito Lab, Molecular and Human Genetics, Baylor College of Medicine
Classification: Uncertain significance for Leigh syndrome. Last evaluated: 2019-10-17. Review status: criteria provided, single submitter. Criteria: Modified ACMG Guidelines (Unpublished). Collection method: clinical testing. Allele origin: germline.
Comment: The NC_012920.1:m.14619A>G (YP_003024037.1:p.Phe19Leu) variant in MTND6 gene is interpretated to be a Uncertain Significance variant based on the modified ACMG guidelines (unpublished). This variant meets the following evidence codes: PP7, BP6

NC_012920.1(MT-ND6):m.14619A>G

Gene: MT-ND6 (mitochondrially encoded NADH dehydrogenase 6; minus strand).
Variant type: single nucleotide variant.
Genome position: chrM-14619-A-G.
Identifiers: ClinVar variation 693747 (VCV000693747.1), dbSNP rs1556424471, ClinGen allele CA414823302.